The following is an entry in ClinVar:

ClinVar aggregate classification (germline): Uncertain significance (1 of 4 stars; one submission).

Conditions:
Long QT syndrome (LQTS). Identifiers: MedGen C0023976, MeSH D008133, MONDO:0002442. Disease mechanism: loss of function. Inheritance: Various modes of inheritance.

Submission:

Labcorp Genetics (formerly Invitae), Labcorp
Classification: Uncertain significance for Long QT syndrome. Last evaluated: 2024-09-10. Review status: criteria provided, single submitter. Criteria: Invitae Variant Classification Sherloc (09022015). Collection method: clinical testing. Allele origin: germline.
Comment: This sequence change replaces phenylalanine, which is neutral and non-polar, with leucine, which is neutral and non-polar, at codon 140 of the KCNJ5 protein (p.Phe140Leu). This variant is not present in population databases (gnomAD no frequency). This variant has not been reported in the literature in individuals affected with KCNJ5-related conditions. Invitae Evidence Modeling of protein sequence and biophysical properties (such as structural, functional, and spatial information, amino acid conservation, physicochemical variation, residue mobility, and thermodynamic stability) indicates that this missense variant is not expected to disrupt KCNJ5 protein function with a negative predictive value of 80%. In summary, the available evidence is currently insufficient to determine the role of this variant in disease. Therefore, it has been classified as a Variant of Uncertain Significance.

NM_000890.5(KCNJ5):c.418T>C (p.Phe140Leu)

Gene: KCNJ5 (potassium inwardly rectifying channel subfamily J member 5; plus strand). Cytogenetic location: 11q24.3.
Variant type: single nucleotide variant.
Coding change: c.418T>C on transcript NM_000890.5 (MANE Select); coding-DNA position 418, T replaced by C.
Protein change: p.Phe140Leu; replaces phenylalanine 140 with leucine.
Molecular consequence: missense variant.
Genome position (GRCh38, 1-based): chr11:128,911,691, T>C. VCF-style: chr11-128911691-T-C. GRCh37 (hg19) VCF-style: chr11-128781586-T-C.
Other names: c.418T>C, p.Phe140Leu (NM_001354169.2); short protein forms F140L.
Identifiers: ClinVar variation 3668663 (VCV003668663.2).